The following is an entry in ClinVar:

NM_022066.4(UBE2O):c.371T>C (p.Val124Ala)

Gene: UBE2O (ubiquitin conjugating enzyme E2 O; minus strand). Cytogenetic location: 17q25.1.
Variant type: single nucleotide variant.
Coding change: c.371T>C on transcript NM_022066.4 (MANE Select); coding-DNA position 371, T replaced by C.
Protein change: p.Val124Ala; replaces valine 124 with alanine.
Molecular consequence: missense variant.
Genome position (GRCh38, 1-based): chr17:76,452,771, A>G on the plus strand (T>C on the coding strand, the complement: UBE2O is on the minus strand). VCF-style: chr17-76452771-A-G. GRCh37 (hg19) VCF-style: chr17-74448853-A-G.
Other names: short protein forms V124A.
Identifiers: ClinVar variation 4845547 (VCV004845547.1).

ClinVar aggregate classification (germline): Uncertain significance (1 of 4 stars; one submission).

Submission:

Greenwood Genetic Center Diagnostic Laboratories, Greenwood Genetic Center
Classification: Uncertain significance. Last evaluated: 2025-12-18. Review status: criteria provided, single submitter. Criteria: ACMG Guidelines, 2015. Collection method: clinical testing. Allele origin: germline. Affected: yes.
Comment: Gene of Uncertain Significance